The following is an entry in ClinVar:

NM_015202.5(KATNIP):c.809-1G>C

Gene: KATNIP (katanin interacting protein; plus strand). Cytogenetic location: 16p12.1.
Variant type: single nucleotide variant.
Coding change: c.809-1G>C on transcript NM_015202.5 (MANE Select); the canonical splice acceptor site of the intron before coding-DNA position 809, G replaced by C.
Molecular consequence: splice acceptor variant.
Genome position (GRCh38, 1-based): chr16:27,681,398, G>C. VCF-style: chr16-27681398-G-C. GRCh37 (hg19) VCF-style: chr16-27692719-G-C.
Identifiers: ClinVar variation 3642619 (VCV003642619.2).
Genomic context (GRCh38, chr16:27,681,398, plus strand): 5'-GAACAGAATGCCCAACTTGCTTGCGCTCAGCGTCTTACATGAAACAATTGTTTTCCTACA[G>C]GTCATAAAAGGGAAAGGAATTTGTCTGCAAAGCGGAAGGACAATGCTGAGGTTTTCGTTC-3'

ClinVar aggregate classification (germline): Likely pathogenic (1 of 4 stars; one submission).

Submission:

Labcorp Genetics (formerly Invitae), Labcorp
Classification: Likely pathogenic. Last evaluated: 2024-03-22. Review status: criteria provided, single submitter. Criteria: Invitae Variant Classification Sherloc (09022015). Collection method: clinical testing. Allele origin: germline.
Comment: This sequence change affects an acceptor splice site in intron 7 of the KIAA0556 gene. It is expected to disrupt RNA splicing. Variants that disrupt the donor or acceptor splice site typically lead to a loss of protein function (PMID: 16199547), and loss-of-function variants in KIAA0556 are known to be pathogenic (PMID: 26714646, 27245168). This variant is not present in population databases (gnomAD no frequency). This variant has not been reported in the literature in individuals affected with KIAA0556-related conditions. Algorithms developed to predict the effect of sequence changes on RNA splicing suggest that this variant may disrupt the consensus splice site. In summary, the currently available evidence indicates that the variant is pathogenic, but additional data are needed to prove that conclusively. Therefore, this variant has been classified as Likely Pathogenic.

Literature cited by the submitters: PubMed 16199547; PubMed 26714646; PubMed 27245168.